The following is an entry in ClinVar:

ClinVar aggregate classification (germline): Uncertain significance (1 of 4 stars; one submission).

Conditions:
Autosomal dominant nonsyndromic hearing loss 9. Identifiers: Orphanet 90635, MedGen C1832425, MONDO:0011058, OMIM 601369.

Submission:

Neuberg Centre For Genomic Medicine, NCGM
Classification: Uncertain significance for Autosomal dominant nonsyndromic hearing loss 9. Last evaluated: 2023-07-22. Review status: criteria provided, single submitter. Criteria: ACMG Guidelines, 2015. Collection method: clinical testing. Allele origin: germline. Inheritance: Autosomal dominant inheritance. Affected: yes.
Comment: The observed missense variant c.200A>Gp.Tyr67Cys in COCH gene has not been reported previously as a pathogenic variant nor as a benign variant, to our knowledge. This variant is absent in gnomAD Exomes. The amino acid Tyr at position 67 is changed to a Cys changing protein sequence and it might alter its composition and physico-chemical properties. The reference amino acid p.Tyr67Cys in COCH is predicted as conserved by GERP++ and PhyloP across 100 vertebrates. Multiple lines of computational evidence Polyphen-probably damaging, SIFT-damaging and Mutation Taster-disease causing predict a damaging effect on protein structure and function for this variant. For these reasons, this variant has been classified as Uncertain Significance. Digenic inheritance is not known with this gene.

NM_004086.3(COCH):c.200A>G (p.Tyr67Cys)

Genes: COCH (cochlin; plus strand), COCH-AS1 (COCH antisense RNA 1; minus strand). Cytogenetic location: 14q12.
Variant type: single nucleotide variant.
Coding change: c.200A>G on transcript NM_004086.3 (MANE Select); coding-DNA position 200, A replaced by G.
Protein change: p.Tyr67Cys; replaces tyrosine 67 with cysteine.
Molecular consequence: missense variant.
Genome position (GRCh38, 1-based): chr14:30,877,689, A>G. VCF-style: chr14-30877689-A-G. GRCh37 (hg19) VCF-style: chr14-31346895-A-G.
Other names: c.200A>G, p.Tyr67Cys (NM_001135058.2); c.395A>G, p.Tyr132Cys (NM_001347720.2); short protein forms Y132C, Y67C.
Identifiers: ClinVar variation 3391352 (VCV003391352.1).